The following is an entry in ClinVar:

ClinVar aggregate classification (germline): Uncertain significance (1 of 4 stars; one submission).

Conditions:
Hypokalemic periodic paralysis, type 1. Also called: Hypokalemic Periodic Paralysis Type 1 (AD); HypoPP. Identifiers: Orphanet 681, MedGen C3714580, MONDO:0042979, OMIM 170400.
Malignant hyperthermia, susceptibility to, 5 (MHS5). Also called: CACNA1S-Related Malignant Hyperthermia Susceptibility. Identifiers: Orphanet 423, MedGen C1866077, MONDO:0011163, OMIM 601887.

Submission:

Labcorp Genetics (formerly Invitae), Labcorp
Classification: Uncertain significance for Hypokalemic periodic paralysis, type 1; Malignant hyperthermia, susceptibility to, 5. Last evaluated: 2022-11-01. Review status: criteria provided, single submitter. Criteria: Invitae Variant Classification Sherloc (09022015). Collection method: clinical testing. Allele origin: germline.
Comment: In summary, the available evidence is currently insufficient to determine the role of this variant in disease. Therefore, it has been classified as a Variant of Uncertain Significance. Advanced modeling of protein sequence and biophysical properties (such as structural, functional, and spatial information, amino acid conservation, physicochemical variation, residue mobility, and thermodynamic stability) performed at Invitae indicates that this missense variant is not expected to disrupt CACNA1S protein function. This variant has not been reported in the literature in individuals affected with CACNA1S-related conditions. This variant is not present in population databases (gnomAD no frequency). This sequence change replaces glycine, which is neutral and non-polar, with arginine, which is basic and polar, at codon 913 of the CACNA1S protein (p.Gly913Arg).

NM_000069.3(CACNA1S):c.2737G>A (p.Gly913Arg)

Gene: CACNA1S (calcium voltage-gated channel subunit alpha1 S; minus strand). Cytogenetic location: 1q32.1.
Variant type: single nucleotide variant.
Coding change: c.2737G>A on transcript NM_000069.3 (MANE Select); coding-DNA position 2737, G replaced by A.
Protein change: p.Gly913Arg; replaces glycine 913 with arginine.
Molecular consequence: missense variant.
Genome position (GRCh38, 1-based): chr1:201,066,237, C>T on the plus strand (G>A on the coding strand, the complement: CACNA1S is on the minus strand). VCF-style: chr1-201066237-C-T. GRCh37 (hg19) VCF-style: chr1-201035365-C-T.
Other names: short protein forms G913R.
Identifiers: ClinVar variation 1896188 (VCV001896188.5), dbSNP rs2464520718, ClinGen allele CA344102156.